The following is an entry in ClinVar:

NM_000052.7(ATP7A):c.3373A>G (p.Asn1125Asp)

Gene: ATP7A (ATPase copper transporting alpha; plus strand). Cytogenetic location: Xq21.1.
Variant type: single nucleotide variant.
Coding change: c.3373A>G on transcript NM_000052.7 (MANE Select); coding-DNA position 3373, A replaced by G.
Protein change: p.Asn1125Asp; replaces asparagine 1125 with aspartic acid.
Molecular consequence: missense variant. On other transcripts: non-coding transcript variant (1).
Genome position (GRCh38, 1-based): chrX:78,033,683, A>G. VCF-style: chrX-78033683-A-G. GRCh37 (hg19) VCF-style: chrX-77289181-A-G.
Other names: c.3139A>G, p.Asn1047Asp (NM_001282224.2); short protein forms N1047D, N1125D.
Identifiers: ClinVar variation 3369569 (VCV003369569.2).

ClinVar aggregate classification (germline): Uncertain significance. Review status: criteria provided, multiple submitters, no conflicts (2 of 4 stars). 2 submissions from 2 submitters: Uncertain significance (2). Last evaluated 2025-11-18.

Conditions:
Cutis laxa, X-linked (OHS). Also called: EDS IX; Occipital horn syndrome. Identifiers: Orphanet 198, MedGen C0268353, MONDO:0010572, OMIM 304150.
X-linked distal spinal muscular atrophy type 3. Also called: ATP7A-Related Distal Motor Neuropathy; SPINAL MUSCULAR ATROPHY, DISTAL, X-LINKED RECESSIVE; NEURONOPATHY, DISTAL HEREDITARY MOTOR, X-LINKED; NEUROPATHY, DISTAL HEREDITARY MOTOR, X-LINKED. Identifiers: Orphanet 139557, MedGen C1845359, MONDO:0010338, OMIM 300489.
Menkes kinky-hair syndrome (MNK). Also called: Classic Menkes Disease; Copper transport disease; Menkes Disease. Identifiers: Orphanet 565, MedGen C0022716, MONDO:0010651, OMIM 309400.

Submissions (2):

Labcorp Genetics (formerly Invitae), Labcorp
Classification: Uncertain significance for X-linked distal spinal muscular atrophy type 3; Cutis laxa, X-linked; Menkes kinky-hair syndrome. Last evaluated: 2025-11-18. Review status: criteria provided, single submitter. Criteria: Invitae Variant Classification Sherloc (09022015). Collection method: clinical testing. Allele origin: germline.
Comment: This sequence change replaces asparagine, which is neutral and polar, with aspartic acid, which is acidic and polar, at codon 1125 of the ATP7A protein (p.Asn1125Asp). This variant is not present in population databases (gnomAD no frequency). This variant has not been reported in the literature in individuals affected with ATP7A-related conditions. ClinVar contains an entry for this variant (Variation ID: 3369569). Invitae Evidence Modeling of protein sequence and biophysical properties (such as structural, functional, and spatial information, amino acid conservation, physicochemical variation, residue mobility, and thermodynamic stability) indicates that this missense variant is not expected to disrupt ATP7A protein function with a negative predictive value of 95%. In summary, the available evidence is currently insufficient to determine the role of this variant in disease. Therefore, it has been classified as a Variant of Uncertain Significance.

GeneDx
Classification: Uncertain significance. Last evaluated: 2024-02-21. Review status: criteria provided, single submitter. Criteria: GeneDx Variant Classification Process June 2021. Collection method: clinical testing. Allele origin: germline. Affected: yes.
Comment: Has not been previously published as pathogenic or benign to our knowledge; Not observed at significant frequency in large population cohorts (gnomAD); In silico analysis supports that this missense variant has a deleterious effect on protein structure/function